The following is an entry in ClinVar:

ClinVar aggregate classification (germline): Uncertain significance. Review status: criteria provided, multiple submitters, no conflicts (2 of 4 stars). 3 submissions from 3 submitters: Uncertain significance (2). 1 of the submissions does not count toward it. Last evaluated 2022-02-09.

Conditions:
Usher syndrome type 1 (USH1). Also called: RETINITIS PIGMENTOSA AND CONGENITAL DEAFNESS. Identifiers: Orphanet 231169, Orphanet 886, MedGen C1568247, MONDO:0010168, OMIM 276900.

Allele frequency attached by ClinVar (database versions not stated): gnomAD 0.00002; ESP Exome Variant Server 0.00008; gnomAD exomes 0.00002 and 0.00001; TOPMed 0.00002; ExAC 0.00003.
gnomAD v4.1: 23 of 1,595,238 alleles (0.0014%); highest among the groups gnomAD compares: African/African-American, 0.0027%; no homozygotes.

Submissions (3):

Labcorp Genetics (formerly Invitae), Labcorp
Classification: Uncertain significance. Last evaluated: 2022-02-09. Review status: criteria provided, single submitter. Criteria: Invitae Variant Classification Sherloc (09022015). Collection method: clinical testing. Allele origin: germline.
Comment: This sequence change replaces leucine, which is neutral and non-polar, with phenylalanine, which is neutral and non-polar, at codon 3340 of the CDH23 protein (p.Leu3340Phe). This variant is present in population databases (rs376537401, gnomAD 0.005%). This variant has not been reported in the literature in individuals affected with CDH23-related conditions. ClinVar contains an entry for this variant (Variation ID: 178316). Algorithms developed to predict the effect of missense changes on protein structure and function are either unavailable or do not agree on the potential impact of this missense change (SIFT: "Deleterious"; PolyPhen-2: "Not Available"; Align-GVGD: "Class C0"). In summary, the available evidence is currently insufficient to determine the role of this variant in disease. Therefore, it has been classified as a Variant of Uncertain Significance.

Laboratory for Molecular Medicine, Mass General Brigham Personalized Medicine
Classification: Uncertain significance. Last evaluated: 2014-05-16. Review status: criteria provided, single submitter. Criteria: LMM Criteria. Collection method: clinical testing. Allele origin: germline. Observed: 1 variant allele.
Comment: Variant classified as Uncertain Significance - Favor Benign. The Leu3340Phe vari ant in CDH23 has not been reported in individuals with hearing loss, but has bee n identified in 0.01% (1/8436) of European American chromosomes by the NHLBI Exo me Sequencing Project. The amino acid (Leu) at position 3340 is not conserved in mammals or evolutionary distant species, ra ising the possibility that a change at this position may be tolerated. Additiona l computational prediction tools suggest that the Leu3340Phe variant may not imp act the protein, though this information is not predictive enough to rule out pa thogenicity. In summary, while the clinical significance of the Leu3340Phe varia nt it is uncertain, the conservation data suggests that it is more likely to be benign.

Natera, Inc.
Classification: Uncertain significance for Usher syndrome type 1. Last evaluated: 2019-10-28. Review status: no assertion criteria provided. Collection method: clinical testing. Allele origin: germline. Not counted in ClinVar's aggregate classification.

NM_022124.6(CDH23):c.10018C>T (p.Leu3340Phe)

Gene: CDH23 (cadherin related 23; plus strand). Cytogenetic location: 10q22.1.
Variant type: single nucleotide variant.
Coding change: c.10018C>T on transcript NM_022124.6 (MANE Select); coding-DNA position 10018, C replaced by T.
Protein change: p.Leu3340Phe; replaces leucine 3340 with phenylalanine.
Molecular consequence: missense variant.
Genome position (GRCh38, 1-based): chr10:71,815,231, C>T. VCF-style: chr10-71815231-C-T. GRCh37 (hg19) VCF-style: chr10-73574988-C-T.
Other names: c.3298C>T, p.Leu1100Phe (NM_001171933.1); c.3193C>T, p.Leu1065Phe (NM_001171934.1); c.709C>T, p.Leu237Phe (NM_001171935.1); c.604C>T, p.Leu202Phe (NM_001171936.1); short protein forms L3340F, L1100F, L202F, L237F, L1065F.
Identifiers: ClinVar variation 178316 (VCV000178316.8), dbSNP rs376537401, ClinGen allele CA182094.
Genomic context (GRCh38, chr10:71,815,231, plus strand): 5'-GCCACTGCCTTCGAGCGCAACGCCCGCACAGAATCCGCCAAATCCACACCCCTGCACAAA[C>T]TTCGCGACGTGATCATGGAGACCCCCCTGGAGATCACAGAGCTGTGACTAGACAGGGAAG-3'
Protein context (NP_071407.4, residues 3330-3350): ESAKSTPLHK[Leu3340Phe]RDVIMETPLE